The following is an entry in ClinVar:

NM_022051.3(EGLN1):c.545A>G (p.Asn182Ser)

Gene: EGLN1 (egl-9 family hypoxia inducible factor 1; minus strand). Cytogenetic location: 1q42.2.
Variant type: single nucleotide variant.
Coding change: c.545A>G on transcript NM_022051.3 (MANE Select); coding-DNA position 545, A replaced by G.
Protein change: p.Asn182Ser; replaces asparagine 182 with serine.
Molecular consequence: missense variant.
Genome position (GRCh38, 1-based): chr1:231,421,344, T>C on the plus strand (A>G on the coding strand, the complement: EGLN1 is on the minus strand). VCF-style: chr1-231421344-T-C. GRCh37 (hg19) VCF-style: chr1-231557090-T-C.
Other names: c.545A>G, p.Asn182Ser (NM_001377260.1, NM_001377261.1); short protein forms N182S.
Identifiers: ClinVar variation 1747650 (VCV001747650.2), dbSNP rs772133023, ClinGen allele CA1453147.
Genomic context (GRCh38, chr1:231,421,344, plus strand): 5'-ATGCACGGCACGATGTACTCGAGCGCCAGCTTCAGCGCCGGCAGGGGCTTCGTCTGCCCG[T>C]TGGGCCGCAGGCCGCCGCCGGGGCTCAGCGCATCCCCGGGCGTGTTGCTTGGGGGGTACA-3'
Protein context (NP_071334.1, residues 172-192): ALSPGGGLRP[Asn182Ser]GQTKPLPALK

ClinVar aggregate classification (germline): Uncertain significance (1 of 4 stars; one submission).

Allele frequency attached by ClinVar (database versions not stated): gnomAD exomes below 0.00001; ExAC 0.00001.
gnomAD v4.1: 3 of 1,610,878 alleles (0.00019%); highest among the groups gnomAD compares: South Asian, 0.0011%; no homozygotes.

Submission:

Ambry Genetics
Classification: Uncertain significance. Last evaluated: 2021-11-17. Review status: criteria provided, single submitter. Criteria: Ambry Variant Classification Scheme 2023. Collection method: clinical testing. Allele origin: germline.
Comment: The p.N182S variant (also known as c.545A>G), located in coding exon 1 of the EGLN1 gene, results from an A to G substitution at nucleotide position 545. The asparagine at codon 182 is replaced by serine, an amino acid with highly similar properties. This amino acid position is conserved. In addition, this alteration is predicted to be tolerated by in silico analysis. Since supporting evidence is limited at this time, the clinical significance of this alteration remains unclear.